The following is an entry in ClinVar:

NM_001453.3(FOXC1):c.36C>G (p.Ser12=)

Gene: FOXC1 (forkhead box C1; plus strand). Cytogenetic location: 6p25.3.
Variant type: single nucleotide variant.
Coding change: c.36C>G on transcript NM_001453.3 (MANE Select); coding-DNA position 36, C replaced by G.
Protein change: p.Ser12=; no amino-acid change (serine 12 retained).
Molecular consequence: synonymous variant.
Genome position (GRCh38, 1-based): chr6:1,610,481, C>G. VCF-style: chr6-1610481-C-G. GRCh37 (hg19) VCF-style: chr6-1610716-C-G.
Identifiers: ClinVar variation 2025489 (VCV002025489.4), dbSNP rs1354551189, ClinGen allele CA448393225.

ClinVar aggregate classification (germline): Uncertain significance (1 of 4 stars; one submission).

Conditions:
Axenfeld-Rieger syndrome type 3 (RIEG3). Also called: AXENFELD-RIEGER ANOMALY WITH CARDIAC DEFECTS AND/OR SENSORINEURAL HEARING LOSS. Identifiers: Orphanet 782, MedGen C2678503, MONDO:0011233, OMIM 602482.

Submission:

Labcorp Genetics (formerly Invitae), Labcorp
Classification: Uncertain significance for Axenfeld-Rieger syndrome type 3. Last evaluated: 2026-01-05. Review status: criteria provided, single submitter. Criteria: Invitae Variant Classification Sherloc (09022015). Collection method: clinical testing. Allele origin: germline.
Comment: This sequence change affects codon 12 of the FOXC1 mRNA. It is a 'silent' change, meaning that it does not change the encoded amino acid sequence of the FOXC1 protein. This variant is not present in population databases (gnomAD no frequency). This variant has not been reported in the literature in individuals affected with FOXC1-related conditions. ClinVar contains an entry for this variant (Variation ID: 2025489). In summary, the available evidence is currently insufficient to determine the role of this variant in disease. Therefore, it has been classified as a Variant of Uncertain Significance.